The following is an entry in ClinVar:

NM_024334.3(TMEM43):c.530C>G (p.Ser177Ter)

Gene: TMEM43 (transmembrane protein 43; plus strand). Cytogenetic location: 3p25.1.
Variant type: single nucleotide variant.
Coding change: c.530C>G on transcript NM_024334.3 (MANE Select); coding-DNA position 530, C replaced by G.
Protein change: p.Ser177Ter; replaces serine 177 with a stop codon.
Molecular consequence: nonsense.
Genome position (GRCh38, 1-based): chr3:14,133,756, C>G. VCF-style: chr3-14133756-C-G. GRCh37 (hg19) VCF-style: chr3-14175256-C-G.
Other names: c.533C>G, p.Ser178Ter (NM_001407274.1); c.530C>G, p.Ser177Ter (NM_001407275.1, NM_001407276.1, NM_001407277.1 and 1 more transcripts); c.515C>G, p.Ser172Ter (NM_001407278.1); c.380C>G, p.Ser127Ter (NM_001407280.1); short protein forms S127*, S172*, S177*, S178*.
Identifiers: ClinVar variation 4734506 (VCV004734506.1).

ClinVar aggregate classification (germline): Uncertain significance (1 of 4 stars; one submission).

Conditions:
Arrhythmogenic right ventricular dysplasia 5. Also called: Arrhythmogenic Right Ventricular Dysplasia/Cardiomyopathy 5; ARRHYTHMOGENIC RIGHT VENTRICULAR DYSPLASIA, FAMILIAL, 5. Identifiers: MedGen C1858379, MONDO:0011459, OMIM 604400.

Submission:

Labcorp Genetics (formerly Invitae), Labcorp
Classification: Uncertain significance for Arrhythmogenic right ventricular dysplasia 5. Last evaluated: 2025-12-31. Review status: criteria provided, single submitter. Criteria: Invitae Variant Classification Sherloc (09022015). Collection method: clinical testing. Allele origin: germline.
Comment: This sequence change creates a premature translational stop signal (p.Ser177*) in the TMEM43 gene. It is expected to result in an absent or disrupted protein product. However, the current clinical and genetic evidence is not sufficient to establish whether loss-of-function variants in TMEM43 cause disease. This variant is not present in population databases (gnomAD no frequency). This variant has not been reported in the literature in individuals affected with TMEM43-related conditions. In summary, the available evidence is currently insufficient to determine the role of this variant in disease. Therefore, it has been classified as a Variant of Uncertain Significance.